The following is an entry in ClinVar:

ClinVar aggregate classification (germline): Pathogenic/Likely pathogenic. Review status: criteria provided, multiple submitters, no conflicts (2 of 4 stars). 2 submissions from 2 submitters: Pathogenic (1); Likely pathogenic (1). Last evaluated 2021-10-16.

Conditions:
Hereditary breast ovarian cancer syndrome. Also called: Hereditary breast and ovarian cancer; Breast and ovarian cancer; BRCA1- and BRCA2-Associated Hereditary Breast and Ovarian Cancer; Hereditary breast and/or ovarian cancer syndrome; Hereditary breast and ovarian cancer syndrome; Hereditary breast and ovarian cancer syndrome (HBOC). Identifiers: Orphanet 145, MedGen C0677776, MeSH D061325, MONDO:0003582. Disease mechanism: loss of function.
Familial cancer of breast. Also called: BREAST CANCER, FAMILIAL; hereditary breast carcinoma; Hereditary breast cancer. Identifiers: Orphanet 227535, MedGen C0346153, MONDO:0016419, OMIM 114480. Disease mechanism: loss of function.

Submissions (2):

Baylor Genetics
Classification: Likely pathogenic for Familial cancer of breast. Last evaluated: 2021-10-16. Review status: criteria provided, single submitter. Criteria: ACMG Guidelines, 2015. Collection method: clinical testing. Allele origin: unknown.

Labcorp Genetics (formerly Invitae), Labcorp
Classification: Pathogenic for Hereditary breast ovarian cancer syndrome. Last evaluated: 2021-06-17. Review status: criteria provided, single submitter. Criteria: Invitae Variant Classification Sherloc (09022015). Collection method: clinical testing. Allele origin: germline.
Comment: For these reasons, this variant has been classified as Pathogenic. This variant has not been reported in the literature in individuals with BRCA2-related conditions. This variant is not present in population databases (ExAC no frequency). This sequence change creates a premature translational stop signal (p.Val358Trpfs*9) in the BRCA2 gene. It is expected to result in an absent or disrupted protein product. Loss-of-function variants in BRCA2 are known to be pathogenic (PMID: 20104584).

Literature cited by the submitters: PubMed 20104584 (cited by Labcorp Genetics (formerly Invitae), Labcorp).

NM_000059.4(BRCA2):c.1072del (p.Val358fs)

Gene: BRCA2 (BRCA2 DNA repair associated; plus strand). Cytogenetic location: 13q13.1.
Variant type: Deletion.
Coding change: c.1072del on transcript NM_000059.4 (MANE Select); coding-DNA position 1072, one base deleted (G; older notation c.1072delG).
Protein change: p.Val358fs; shifts the reading frame from valine 358.
Molecular consequence: frameshift variant.
Genome position (GRCh38, 1-based): chr13:32,332,550, G deleted. VCF-style (leftmost placement, unchanged base first): chr13-32332549-AG-A. GRCh37 (hg19) VCF-style: chr13-32906686-AG-A.
Other names: short protein forms V358fs.
Identifiers: ClinVar variation 1456693 (VCV001456693.7), dbSNP rs2137467384, ClinGen allele CA2573149333.